The following is an entry in ClinVar:

NM_024678.6(NARS2):c.1142A>G (p.Asn381Ser)

Genes: NARS2 (asparaginyl-tRNA synthetase 2, mitochondrial; minus strand), LOC130006506 (ATAC-STARR-seq lymphoblastoid active region 5325; plus strand). Cytogenetic location: 11q14.1.
Variant type: single nucleotide variant.
Coding change: c.1142A>G on transcript NM_024678.6 (MANE Select); coding-DNA position 1142, A replaced by G.
Protein change: p.Asn381Ser; replaces asparagine 381 with serine.
Molecular consequence: missense variant.
Genome position (GRCh38, 1-based): chr11:78,465,898, T>C on the plus strand (A>G on the coding strand, the complement: NARS2 is on the minus strand). VCF-style: chr11-78465898-T-C. GRCh37 (hg19) VCF-style: chr11-78176944-T-C.
Other names: c.461A>G, p.Asn154Ser (NM_001243251.2); short protein forms N381S, N154S.
Identifiers: ClinVar variation 632572 (VCV000632572.4), dbSNP rs1565216037, ClinGen allele CA382176018.
Genomic context (GRCh38, chr11:78,465,898, plus strand): 5'-AGAGGACTAACCCCAATTTATTTAGTATCTCTTCTTACCGTGTGCTGAGGGCCATCTTCA[T>C]TATCCCTCATGTAGAAAGGCTTGAGTGTTAATGGATAATTAATAACGAAGACAGGTATGT-3'
Protein context (NP_078954.4, residues 371-391): LTLKPFYMRD[Asn381Ser]EDGPQHTVAA

ClinVar aggregate classification (germline): Likely pathogenic. Review status: criteria provided, single submitter (1 of 4 stars). 2 submissions from 2 submitters: Likely pathogenic (1). 1 of the submissions does not count toward it. Last evaluated 2019-08-28.

Conditions:
Combined oxidative phosphorylation defect type 24. Also called: Combined oxidative phosphorylation deficiency 24. Identifiers: Orphanet 444458, MedGen C4015643, MONDO:0014547, OMIM 616239.

Allele frequency attached by ClinVar (database versions not stated): TOPMed 0.00001; gnomAD exomes 0.00002.
gnomAD v4.1: 32 of 1,614,164 alleles (0.002%); highest among the groups gnomAD compares: Non-Finnish European, 0.0027%; no homozygotes.

Submissions (2):

SIB Swiss Institute of Bioinformatics
Classification: Likely pathogenic for Combined oxidative phosphorylation defect type 24. Last evaluated: 2019-08-28. Review status: criteria provided, single submitter. Criteria: ACMG Guidelines, 2015. Collection method: curation. Allele origin: unknown.
Comment: This variant is interpreted as a Likely pathogenic for Combined oxidative phosphorylation deficiency 24, autosomal recessive. The following ACMG Tag(s) were applied: PM2, PP1, PP3, PM3, PS3-Moderate.

OMIM
Classification: Pathogenic for COMBINED OXIDATIVE PHOSPHORYLATION DEFICIENCY 24. Last evaluated: 2019-05-28. Review status: no assertion criteria provided. Collection method: literature only. Allele origin: germline. Not counted in ClinVar's aggregate classification.

Literature cited by the submitters: PubMed 25807530 (cited by SIB Swiss Institute of Bioinformatics and OMIM).